The following is an entry in ClinVar:

NM_198578.4(LRRK2):c.3464T>G (p.Val1155Gly)

Gene: LRRK2 (leucine rich repeat kinase 2; plus strand). Cytogenetic location: 12q12.
Variant type: single nucleotide variant.
Coding change: c.3464T>G on transcript NM_198578.4 (MANE Select); coding-DNA position 3464, T replaced by G.
Protein change: p.Val1155Gly; replaces valine 1155 with glycine.
Molecular consequence: missense variant.
Genome position (GRCh38, 1-based): chr12:40,299,225, T>G. VCF-style: chr12-40299225-T-G. GRCh37 (hg19) VCF-style: chr12-40693027-T-G.
Other names: short protein forms V1155G.
Identifiers: ClinVar variation 3229614 (VCV003229614.1), dbSNP rs2499757290, ClinGen allele CA384415930.

ClinVar aggregate classification (germline): Uncertain significance (1 of 4 stars; one submission).

Conditions:
Inborn genetic diseases. Identifiers: MedGen C0950123, MeSH D030342.

Submission:

Ambry Genetics
Classification: Uncertain significance for Inborn genetic diseases. Last evaluated: 2023-09-24. Review status: criteria provided, single submitter. Criteria: Ambry Variant Classification Scheme 2023. Collection method: clinical testing. Allele origin: germline.
Comment: The p.V1155G variant (also known as c.3464T>G), located in coding exon 25 of the LRRK2 gene, results from a T to G substitution at nucleotide position 3464. The valine at codon 1155 is replaced by glycine, an amino acid with dissimilar properties. This amino acid position is conserved. In addition, the in silico prediction for this alteration is inconclusive. Since supporting evidence is limited at this time, the clinical significance of this alteration remains unclear.